The following is an entry in ClinVar:

NM_001304569.2(PAX2):c.25+6A>T

Gene: PAX2 (paired box 2; plus strand). Cytogenetic location: 10q24.31.
Variant type: single nucleotide variant.
Coding change: c.25+6A>T on transcript NM_001304569.2; 6 bases into the intron after coding-DNA position 25, A replaced by T.
Molecular consequence: intron variant.
Genome position (GRCh38, 1-based): chr10:100,735,739, A>T. VCF-style: chr10-100735739-A-T. GRCh37 (hg19) VCF-style: chr10-102495496-A-T.
Other names: c.25+6A>T (NM_001374303.1).
Identifiers: ClinVar variation 3049110 (VCV003049110.3), dbSNP rs922628640, ClinGen allele CA213061642.

ClinVar aggregate classification (germline): Likely benign. Review status: criteria provided, single submitter (1 of 4 stars). 2 submissions from 2 submitters: Likely benign (1). 1 of the submissions does not count toward it. Last evaluated 2024-08-28.

Conditions:
PAX2-Related Disorder. Also called: PAX2-related disorders. Identifiers: MedGen CN381309.

Allele frequency attached by ClinVar (database versions not stated): gnomAD 0.00087; TOPMed 0.00111; 1000 Genomes Project 30x 0.00016.
gnomAD v4.1: 202 of 1,039,148 alleles (0.019%); highest among the groups gnomAD compares: African/African-American, 0.29%; no homozygotes.

Submissions (2):

Blueprint Genetics
Classification: Likely benign. Last evaluated: 2024-08-28. Review status: criteria provided, single submitter. Criteria: ACMG Guidelines, 2015. Collection method: clinical testing. Allele origin: germline.

PreventionGenetics, part of Exact Sciences
Classification: Likely benign for PAX2-related condition. Last evaluated: 2023-07-12. Review status: no assertion criteria provided. Collection method: clinical testing. Allele origin: germline. Not counted in ClinVar's aggregate classification.
Comment: This variant is classified as likely benign based on ACMG/AMP sequence variant interpretation guidelines (Richards et al. 2015 PMID: 25741868, with internal and published modifications).